The following is an entry in ClinVar:

ClinVar aggregate classification (germline): Uncertain significance (1 of 4 stars; one submission).

Conditions:
Familial cancer of breast. Also called: Hereditary breast cancer; BREAST CANCER, FAMILIAL; hereditary breast carcinoma. Identifiers: Orphanet 227535, MedGen C0346153, MONDO:0016419, OMIM 114480. Disease mechanism: loss of function.

Allele frequency attached by ClinVar (database versions not stated): TOPMed 0.00001.

Submission:

Labcorp Genetics (formerly Invitae), Labcorp
Classification: Uncertain significance for Familial cancer of breast. Last evaluated: 2023-10-09. Review status: criteria provided, single submitter. Criteria: Invitae Variant Classification Sherloc (09022015). Collection method: clinical testing. Allele origin: germline.
Comment: This sequence change replaces leucine, which is neutral and non-polar, with serine, which is neutral and polar, at codon 63 of the CHEK2 protein (p.Leu63Ser). This variant is not present in population databases (gnomAD no frequency). This variant has not been reported in the literature in individuals affected with CHEK2-related conditions. ClinVar contains an entry for this variant (Variation ID: 240740). An algorithm developed to predict the effect of missense changes on protein structure and function (PolyPhen-2) suggests that this variant is likely to be disruptive. In summary, the available evidence is currently insufficient to determine the role of this variant in disease. Therefore, it has been classified as a Variant of Uncertain Significance.

NM_007194.4(CHEK2):c.188T>C (p.Leu63Ser)

Gene: CHEK2 (checkpoint kinase 2; minus strand). Cytogenetic location: 22q12.1.
Variant type: single nucleotide variant.
Coding change: c.188T>C on transcript NM_007194.4 (MANE Select); coding-DNA position 188, T replaced by C.
Protein change: p.Leu63Ser; replaces leucine 63 with serine.
Molecular consequence: missense variant.
Genome position (GRCh38, 1-based): chr22:28,734,534, A>G on the plus strand (T>C on the coding strand, the complement: CHEK2 is on the minus strand). VCF-style: chr22-28734534-A-G. GRCh37 (hg19) VCF-style: chr22-29130522-A-G.
Other names: c.188T>C, p.Leu63Ser (NM_001005735.3, NM_001349956.3, NM_145862.3); c.-590T>C (NM_001257387.3); short protein forms L63S.
Identifiers: ClinVar variation 240740 (VCV000240740.9), dbSNP rs878854916, ClinGen allele CA10583917.